The following is an entry in ClinVar:

ClinVar aggregate classification (germline): Likely benign. Review status: criteria provided, multiple submitters, no conflicts (2 of 4 stars). 3 submissions from 3 submitters: Likely benign (3). Last evaluated 2026-02-20.

Conditions:
ALPK3-related disorder. Also called: ALPK3-related condition.
Cardiovascular phenotype. Identifiers: MedGen CN230736.

Allele frequency attached by ClinVar (database versions not stated): TOPMed 0.00003; gnomAD 0.00005; gnomAD exomes 0.00005 and 0.00009; ExAC 0.00008; ESP Exome Variant Server 0.00008.
gnomAD v4.1: 78 of 1,614,082 alleles (0.0048%); highest among the groups gnomAD compares: Admixed American, 0.032%; no homozygotes.

Submissions (3):

PreventionGenetics, part of Exact Sciences
Classification: Likely benign for ALPK3-related condition. Last evaluated: 2026-02-20. Review status: criteria provided, single submitter. Criteria: ACMG Guidelines, 2015. Collection method: clinical testing. Allele origin: germline.
Comment: This variant is classified as likely benign based on ACMG/AMP sequence variant interpretation guidelines (Richards et al. 2015 PMID: 25741868, with internal and published modifications).

Labcorp Genetics (formerly Invitae), Labcorp
Classification: Likely benign. Last evaluated: 2026-01-25. Review status: criteria provided, single submitter. Criteria: Invitae Variant Classification Sherloc (09022015). Collection method: clinical testing. Allele origin: germline.

Ambry Genetics
Classification: Likely benign for Cardiovascular phenotype. Last evaluated: 2020-04-07. Review status: criteria provided, single submitter. Criteria: Ambry Variant Classification Scheme 2023. Collection method: clinical testing. Allele origin: germline.

NM_020778.5(ALPK3):c.4686G>A (p.Gln1562=)

Gene: ALPK3 (alpha kinase 3; plus strand). Cytogenetic location: 15q25.3.
Variant type: single nucleotide variant.
Coding change: c.4686G>A on transcript NM_020778.5 (MANE Select); coding-DNA position 4686, G replaced by A.
Protein change: p.Gln1562=; no amino-acid change (glutamine 1562 retained).
Molecular consequence: synonymous variant.
Genome position (GRCh38, 1-based): chr15:84,864,628, G>A. VCF-style: chr15-84864628-G-A. GRCh37 (hg19) VCF-style: chr15-85407859-G-A.
Identifiers: ClinVar variation 1596141 (VCV001596141.11), dbSNP rs149933659, ClinGen allele CA7710047.
Genomic context (GRCh38, chr15:84,864,628, plus strand): 5'-AGCATCTGGCAGCTCTGAGGCCATGCAGAAATGCCAGACCTTCCAACACTGGCTGTATCA[G>A]TGGACAAATGGCAGCTTCCTTGTCACAGACTTGGCAGGTACGAGGGTGTGAGGGTGCACG-3'
Protein context (NP_065829.4, residues 1552-1572): KCQTFQHWLY[Gln1562=]WTNGSFLVTD